The following is an entry in ClinVar:

NM_033305.3(VPS13A):c.4186A>T (p.Ile1396Leu)

Gene: VPS13A (vacuolar protein sorting 13 homolog A; plus strand). Cytogenetic location: 9q21.2.
Variant type: single nucleotide variant.
Coding change: c.4186A>T on transcript NM_033305.3 (MANE Select); coding-DNA position 4186, A replaced by T.
Protein change: p.Ile1396Leu; replaces isoleucine 1396 with leucine.
Molecular consequence: missense variant.
Genome position (GRCh38, 1-based): chr9:77,314,063, A>T. VCF-style: chr9-77314063-A-T. GRCh37 (hg19) VCF-style: chr9-79928979-A-T.
Other names: c.4186A>T, p.Ile1396Leu (NM_001018038.3, NM_015186.4); c.4069A>T, p.Ile1357Leu (NM_001018037.2); short protein forms I1357L, I1396L.
Identifiers: ClinVar variation 1704658 (VCV001704658.2), dbSNP rs879893500, ClinGen allele CA194398831.

ClinVar aggregate classification (germline): Uncertain significance (1 of 4 stars; one submission).

Allele frequency attached by ClinVar (database versions not stated): TOPMed below 0.00001.
gnomAD v4.1: 1 of 1,613,460 alleles (0.000062%); highest among the groups gnomAD compares: Non-Finnish European, 0.000085%; no homozygotes.

Submission:

GeneDx
Classification: Uncertain significance. Last evaluated: 2022-03-07. Review status: criteria provided, single submitter. Criteria: GeneDx Variant Classification Process June 2021. Collection method: clinical testing. Allele origin: germline. Affected: yes.
Comment: Not observed at significant frequency in large population cohorts (gnomAD); In silico analysis supports that this missense variant does not alter protein structure/function; Has not been previously published as pathogenic or benign to our knowledge